The following is an entry in ClinVar:

ClinVar aggregate classification (germline): Benign/Likely benign. Review status: criteria provided, multiple submitters, no conflicts (2 of 4 stars). 8 submissions from 8 submitters: Benign (2); Likely benign (6). Last evaluated 2026-03-01.

Conditions:
GRIN2B-related disorder. Also called: GRIN2B-related condition.
Inborn genetic diseases. Identifiers: MedGen C0950123, MeSH D030342.
Intellectual developmental disorder, autosomal dominant 6, with or without seizures. Also called: Intellectual disability, autosomal dominant 6; GRIN2B-related developmental delay, intellectual disability and autism spectrum disorder. Identifiers: Orphanet 589547, MedGen C3151411, MONDO:0013509, OMIM 613970.
Developmental and epileptic encephalopathy, 27 (DEE27). Also called: GRIN2B-Related Neurodevelopmental Disorder; Epileptic encephalopathy, early infantile, 27. Identifiers: Orphanet 3451, MedGen C4015316, MONDO:0014505, OMIM 616139.

Allele frequency attached by ClinVar (database versions not stated): gnomAD 0.00023; gnomAD exomes 0.00023 and 0.00017; ESP Exome Variant Server 0.00031; TOPMed 0.00018; ExAC 0.00028.
gnomAD v4.1: 288 of 1,613,322 alleles (0.018%); highest among the groups gnomAD compares: Non-Finnish European, 0.022%; 1 homozygote.

Submissions (8):

CeGaT Center for Human Genetics Tuebingen
Classification: Likely benign. Last evaluated: 2026-03-01. Review status: criteria provided, single submitter. Criteria: CeGaT Center For Human Genetics Tuebingen Variant Classification Criteria Version 2. Collection method: clinical testing. Allele origin: germline. Affected: yes. Observed: 11 variant alleles.
Comment: GRIN2B: BP4, BP7

Labcorp Genetics (formerly Invitae), Labcorp
Classification: Likely benign for Developmental and epileptic encephalopathy, 27; Intellectual developmental disorder, autosomal dominant 6, with or without seizures. Last evaluated: 2025-10-26. Review status: criteria provided, single submitter. Criteria: Invitae Variant Classification Sherloc (09022015). Collection method: clinical testing. Allele origin: germline.

Mayo Clinic Laboratories, Mayo Clinic
Classification: Likely benign. Last evaluated: 2025-05-20. Review status: criteria provided, single submitter. Criteria: ACMG Guidelines, 2015. Collection method: clinical testing. Allele origin: germline. Observed: 1 variant allele.
Comment: BS2, BP4, BP7

PreventionGenetics, part of Exact Sciences
Classification: Likely benign for GRIN2B-related condition. Last evaluated: 2025-05-12. Review status: criteria provided, single submitter. Criteria: ACMG Guidelines, 2015. Collection method: clinical testing. Allele origin: germline.
Comment: This variant is classified as likely benign based on ACMG/AMP sequence variant interpretation guidelines (Richards et al. 2015 PMID: 25741868, with internal and published modifications).

Blueprint Genetics
Classification: Likely benign. Last evaluated: 2024-11-07. Review status: criteria provided, single submitter. Criteria: ACMG Guidelines, 2015. Collection method: clinical testing. Allele origin: germline.

GeneDx
Classification: Benign. Last evaluated: 2020-08-24. Review status: criteria provided, single submitter. Criteria: GeneDx Variant Classification Process June 2021. Collection method: clinical testing. Allele origin: germline. Affected: yes.

Genetic Services Laboratory, University of Chicago
Classification: Benign. Last evaluated: 2017-08-28. Review status: criteria provided, single submitter. Criteria: ACMG Guidelines, 2015. Collection method: clinical testing. Allele origin: germline. Affected: no.

Ambry Genetics
Classification: Likely benign for Inborn genetic diseases. Last evaluated: 2017-05-08. Review status: criteria provided, single submitter. Criteria: Ambry Variant Classification Scheme 2023. Collection method: clinical testing. Allele origin: germline.

NM_000834.5(GRIN2B):c.1356C>T (p.Tyr452=)

Gene: GRIN2B (glutamate ionotropic receptor NMDA type subunit 2B; minus strand). Cytogenetic location: 12p13.1.
Variant type: single nucleotide variant.
Coding change: c.1356C>T on transcript NM_000834.5 (MANE Select); coding-DNA position 1356, C replaced by T.
Protein change: p.Tyr452=; no amino-acid change (tyrosine 452 retained).
Molecular consequence: synonymous variant.
Genome position (GRCh38, 1-based): chr12:13,615,637, G>A on the plus strand (C>T on the coding strand, the complement: GRIN2B is on the minus strand). VCF-style: chr12-13615637-G-A. GRCh37 (hg19) VCF-style: chr12-13768571-G-A.
Other names: p.Tyr452=; c.1356C>T (NM_000834.4).
Identifiers: ClinVar variation 379835 (VCV000379835.57), dbSNP rs142935139, ClinGen allele CA6461253.